The following is an entry in ClinVar:

ClinVar aggregate classification (germline): Conflicting classifications of pathogenicity. Review status: criteria provided, conflicting classifications (1 of 4 stars). 9 submissions from 9 submitters: Uncertain significance (8); Likely benign (1). Last evaluated 2026-01-27.

Conditions:
Cardiovascular phenotype. Identifiers: MedGen CN230736.
Dilated cardiomyopathy 1BB (CMD1BB). Also called: CARDIOMYOPATHY, DILATED, 1BB, SUSCEPTIBILITY TO. Identifiers: Orphanet 154, MedGen C2752072, MONDO:0013030, OMIM 612877.
Arrhythmogenic right ventricular dysplasia 10. Also called: Arrhythmogenic Right Ventricular Dysplasia/Cardiomyopathy10; Arrhythmogenic right ventricular dysplasia/cardiomyopathy, type 10; ARRHYTHMOGENIC RIGHT VENTRICULAR DYSPLASIA, FAMILIAL, 10. Identifiers: MedGen C1857777, MONDO:0012434, OMIM 610193.
Cardiomyopathy (CMYO). Also called: Cardiomyopathies. Identifiers: Orphanet 167848, MedGen C0878544, MONDO:0004994, HP:0001638. Inheritance: Various modes of inheritance.
Arrhythmogenic right ventricular cardiomyopathy (ARVD). Also called: Arrhythmogenic Right Ventricular Cardiomyopathy (ARVC); Cardiomyopathy, ARVC; Arrhythmogenic right ventricular dysplasia; Arrhythmogenic cardiomyopathy. Identifiers: Orphanet 247, MedGen C0349788, MeSH D019571, MONDO:0016587. Disease mechanism: loss of function. Inheritance: Various modes of inheritance.

Allele frequency attached by ClinVar (database versions not stated): ExAC 0.00004; gnomAD exomes 0.00005; gnomAD 0.00006; TOPMed 0.00006; ESP Exome Variant Server 0.00016.
gnomAD v4.1: 83 of 1,614,068 alleles (0.0051%); highest among the groups gnomAD compares: Middle Eastern, 0.017%; no homozygotes.

Submissions (9):

Labcorp Genetics (formerly Invitae), Labcorp
Classification: Uncertain significance for Arrhythmogenic right ventricular dysplasia 10. Last evaluated: 2026-01-27. Review status: criteria provided, single submitter. Criteria: Invitae Variant Classification Sherloc (09022015). Collection method: clinical testing. Allele origin: germline.
Comment: This sequence change replaces glycine, which is neutral and non-polar, with alanine, which is neutral and non-polar, at codon 678 of the DSG2 protein (p.Gly678Ala). This variant is present in population databases (rs372494397, gnomAD 0.008%). This missense change has been observed in individual(s) with arrhythmogenic right ventricular cardiomyopathy (ARVC) and hypertrophic cardiomyopathy (HCM) (PMID: 24070718, 26656175, 32102357). ClinVar contains an entry for this variant (Variation ID: 178021). Invitae Evidence Modeling of protein sequence and biophysical properties (such as structural, functional, and spatial information, amino acid conservation, physicochemical variation, residue mobility, and thermodynamic stability) indicates that this missense variant is not expected to disrupt DSG2 protein function with a negative predictive value of 95%. In summary, the available evidence is currently insufficient to determine the role of this variant in disease. Therefore, it has been classified as a Variant of Uncertain Significance.

Blueprint Genetics
Classification: Uncertain significance. Last evaluated: 2024-10-30. Review status: criteria provided, single submitter. Criteria: ACMG Guidelines, 2015. Collection method: clinical testing. Allele origin: germline.

All of Us Research Program, National Institutes of Health
Classification: Uncertain significance for Arrhythmogenic right ventricular cardiomyopathy. Last evaluated: 2024-09-23. Review status: criteria provided, single submitter. Criteria: ACMG Guidelines, 2015. Collection method: clinical testing. Allele origin: germline. Inheritance: Autosomal dominant inheritance. Observed: 28 variant alleles, 28 heterozygotes.
Comment: This missense variant replaces glycine with alanine at codon 678 of the DSG2 protein. Computational prediction is inconclusive regarding the impact of this variant on protein structure and function (internally defined REVEL score threshold 0.5 < inconclusive < 0.7, PMID: 27666373). To our knowledge, functional studies have not been reported for this variant. This variant has been reported in several individuals affected with arrhythmogenic cardiomyopathy (PMID 24070718, 32102357), in an individual affected with hypertrophic cardiomyopathy (PMID: 26656175), and in an individual affected with dilated cardiomyopathy and ventricular tachycardia (PMID: 33552729). This variant has also been identified in 13/280686 chromosomes in the general population by the Genome Aggregation Database (gnomAD). The available evidence is insufficient to determine the role of this variant in disease conclusively. Therefore, this variant is classified as a Variant of Uncertain Significance.

This study involves interpretation of variants in research participants for the purpose of population health screening. Participant phenotype was not available at the time of variant classification. Additional details can be found in publication PMID: 35346344, PMCID: PMC8962531

Ambry Genetics
Classification: Likely benign for Cardiovascular phenotype. Last evaluated: 2024-03-13. Review status: criteria provided, single submitter. Criteria: Ambry Variant Classification Scheme 2023. Collection method: clinical testing. Allele origin: germline.

Color Diagnostics, LLC DBA Color Health
Classification: Uncertain significance for Cardiomyopathy. Last evaluated: 2024-02-07. Review status: criteria provided, single submitter. Criteria: ACMG Guidelines, 2015. Collection method: clinical testing. Allele origin: germline.
Comment: This missense variant replaces glycine with alanine at codon 678 of the DSG2 protein. Computational prediction is inconclusive regarding the impact of this variant on protein structure and function (internally defined REVEL score threshold 0.5 < inconclusive < 0.7, PMID: 27666373). To our knowledge, functional studies have not been reported for this variant. This variant has been reported in several individuals affected with arrhythmogenic cardiomyopathy (PMID 24070718, 32102357), in an individual affected with hypertrophic cardiomyopathy (PMID: 26656175), and in an individual affected with dilated cardiomyopathy and ventricular tachycardia (PMID: 33552729). This variant has also been identified in 13/280686 chromosomes in the general population by the Genome Aggregation Database (gnomAD). The available evidence is insufficient to determine the role of this variant in disease conclusively. Therefore, this variant is classified as a Variant of Uncertain Significance.

GeneDx
Classification: Uncertain significance. Last evaluated: 2023-01-23. Review status: criteria provided, single submitter. Criteria: GeneDx Variant Classification Process June 2021. Collection method: clinical testing. Allele origin: germline. Affected: yes.
Comment: In silico analysis supports that this missense variant does not alter protein structure/function; This variant is associated with the following publications: (PMID: 26138720, 34426522, 26656175, 24070718, 32102357, 29899727)

Fulgent Genetics
Classification: Uncertain significance for Arrhythmogenic right ventricular dysplasia 10; Dilated cardiomyopathy 1BB. Last evaluated: 2021-07-26. Review status: criteria provided, single submitter. Criteria: ACMG Guidelines, 2015. Collection method: clinical testing. Allele origin: unknown.

CHEO Genetics Diagnostic Laboratory, Children's Hospital of Eastern Ontario
Classification: Uncertain significance for Cardiomyopathy. Last evaluated: 2016-05-18. Review status: criteria provided, single submitter. Criteria: ACMG Guidelines, 2015. Collection method: clinical testing. Allele origin: germline. Study: Canadian Open Genetics Repository.

Laboratory for Molecular Medicine, Mass General Brigham Personalized Medicine
Classification: Uncertain significance. Last evaluated: 2013-07-31. Review status: criteria provided, single submitter. Criteria: LMM Criteria. Collection method: clinical testing. Allele origin: germline. Observed: 1 variant allele.
Comment: The Gly678Ala variant in DSG2 has not been reported in individuals with cardiomy opathy but has been identified in 1/4012 African American chromosomes by the NHL BI Exome Sequencing Project. Computational a nalyses (biochemical amino acid properties, conservation, AlignGVGD, PolyPhen2, and SIFT) suggest that the Gly678Ala variant may not impact the protein, though this information is not predictive enough to rule out pathogenicity. Additional information is needed to fully assess the clinical significance of the Gly678Ala variant.

Literature cited by the submitters: PubMed 24070718 (cited by 3 submitters); PubMed 26656175 (cited by 4 submitters); PubMed 32102357 (cited by 3 submitters); PubMed 33552729 (cited by All of Us Research Program, National Institutes of Health and Color Diagnostics, LLC DBA Color Health); PubMed 26138720 (cited by Ambry Genetics); PubMed 29899727 (cited by Ambry Genetics).

NM_001943.5(DSG2):c.2033G>C (p.Gly678Ala)

Genes: DSG2 (desmoglein 2; plus strand), DSG2-AS1 (DSG2 antisense RNA 1; minus strand). Cytogenetic location: 18q12.1.
Variant type: single nucleotide variant.
Coding change: c.2033G>C on transcript NM_001943.5 (MANE Select); coding-DNA position 2033, G replaced by C.
Protein change: p.Gly678Ala; replaces glycine 678 with alanine.
Molecular consequence: missense variant.
Genome position (GRCh38, 1-based): chr18:31,542,551, G>C. VCF-style: chr18-31542551-G-C. GRCh37 (hg19) VCF-style: chr18-29122514-G-C.
Other names: short protein forms G678A.
Identifiers: ClinVar variation 178021 (VCV000178021.26), dbSNP rs372494397, ClinGen allele CA021650.